The following is an entry in ClinVar:

NM_007327.4(GRIN1):c.1632+6C>T

Gene: GRIN1 (glutamate ionotropic receptor NMDA type subunit 1; plus strand). Cytogenetic location: 9q34.3.
Variant type: single nucleotide variant.
Coding change: c.1632+6C>T on transcript NM_007327.4 (MANE Select); 6 bases into the intron after coding-DNA position 1632, C replaced by T.
Molecular consequence: intron variant.
Genome position (GRCh38, 1-based): chr9:137,162,094, C>T. VCF-style: chr9-137162094-C-T. GRCh37 (hg19) VCF-style: chr9-140056546-C-T.
Other names: c.1695+6C>T (NM_001185090.2, NM_001185091.2); c.1632+6C>T (NM_021569.4, NM_000832.7).
Identifiers: ClinVar variation 2919065 (VCV002919065.3), dbSNP rs961842374, ClinGen allele CA201687128.

ClinVar aggregate classification (germline): Uncertain significance (1 of 4 stars; one submission).

Conditions:
Neurodevelopmental disorder with or without hyperkinetic movements and seizures, autosomal dominant. Also called: Intellectual disability, autosomal dominant 8. Identifiers: MedGen C3280282, MONDO:0013655, OMIM 614254.

Allele frequency attached by ClinVar (database versions not stated): gnomAD exomes 0.00001; gnomAD 0.00001.

Submission:

Labcorp Genetics (formerly Invitae), Labcorp
Classification: Uncertain significance for Neurodevelopmental disorder with or without hyperkinetic movements and seizures, autosomal dominant. Last evaluated: 2023-07-16. Review status: criteria provided, single submitter. Criteria: Invitae Variant Classification Sherloc (09022015). Collection method: clinical testing. Allele origin: germline.
Comment: In summary, the available evidence is currently insufficient to determine the role of this variant in disease. Therefore, it has been classified as a Variant of Uncertain Significance. Variants that disrupt the consensus splice site are a relatively common cause of aberrant splicing (PMID: 17576681, 9536098). Algorithms developed to predict the effect of sequence changes on RNA splicing suggest that this variant is not likely to affect RNA splicing. This variant has not been reported in the literature in individuals affected with GRIN1-related conditions. The frequency data for this variant in the population databases is considered unreliable, as metrics indicate poor data quality at this position in the gnomAD database. This sequence change falls in intron 11 of the GRIN1 gene. It does not directly change the encoded amino acid sequence of the GRIN1 protein. It affects a nucleotide within the consensus splice site.

Literature cited by the submitters: PubMed 17576681; PubMed 9536098.